The following is an entry in ClinVar:

NM_025233.7(COASY):c.18G>A (p.Ser6=)

Genes: COASY (Coenzyme A synthase; plus strand), LOC130060908 (ATAC-STARR-seq lymphoblastoid active region 12207; plus strand). Cytogenetic location: 17q21.2.
Variant type: single nucleotide variant.
Coding change: c.18G>A on transcript NM_025233.7 (MANE Select); coding-DNA position 18, G replaced by A.
Protein change: p.Ser6=; no amino-acid change (serine 6 retained).
Molecular consequence: synonymous variant.
Genome position (GRCh38, 1-based): chr17:42,562,640, G>A. VCF-style: chr17-42562640-G-A. GRCh37 (hg19) VCF-style: chr17-40714658-G-A.
Other names: c.18G>A, p.Ser6= (NM_001042529.3); c.105G>A, p.Ser35= (NM_001042532.4).
Identifiers: ClinVar variation 4872982 (VCV004872982.2).

ClinVar aggregate classification (germline): Likely benign (1 of 4 stars; one submission).

gnomAD v4.1: 10 of 1,521,198 alleles (0.00066%); highest among the groups gnomAD compares: South Asian, 0.01%; no homozygotes.

Submission:

CeGaT Center for Human Genetics Tuebingen
Classification: Likely benign. Last evaluated: 2026-06-01. Review status: criteria provided, single submitter. Criteria: CeGaT Center For Human Genetics Tuebingen Variant Classification Criteria Version 2. Collection method: clinical testing. Allele origin: germline. Affected: yes. Observed: 1 variant allele.
Comment: COASY: BP4, BP7